The following is an entry in ClinVar:

ClinVar aggregate classification (germline): Uncertain significance (1 of 4 stars; one submission).

Submission:

Labcorp Genetics (formerly Invitae), Labcorp
Classification: Uncertain significance. Last evaluated: 2023-07-19. Review status: criteria provided, single submitter. Criteria: Invitae Variant Classification Sherloc (09022015). Collection method: clinical testing. Allele origin: germline.
Comment: In summary, the available evidence is currently insufficient to determine the role of this variant in disease. Therefore, it has been classified as a Variant of Uncertain Significance. Advanced modeling of protein sequence and biophysical properties (such as structural, functional, and spatial information, amino acid conservation, physicochemical variation, residue mobility, and thermodynamic stability) performed at Invitae indicates that this missense variant is not expected to disrupt NR2F1 protein function. This variant has not been reported in the literature in individuals affected with NR2F1-related conditions. This variant is not present in population databases (gnomAD no frequency). This sequence change replaces isoleucine, which is neutral and non-polar, with valine, which is neutral and non-polar, at codon 325 of the NR2F1 protein (p.Ile325Val).

NM_005654.6(NR2F1):c.973A>G (p.Ile325Val)

Gene: NR2F1 (nuclear receptor subfamily 2 group F member 1; plus strand). Cytogenetic location: 5q15.
Variant type: single nucleotide variant.
Coding change: c.973A>G on transcript NM_005654.6 (MANE Select); coding-DNA position 973, A replaced by G.
Protein change: p.Ile325Val; replaces isoleucine 325 with valine.
Molecular consequence: missense variant.
Genome position (GRCh38, 1-based): chr5:93,588,426, A>G. VCF-style: chr5-93588426-A-G. GRCh37 (hg19) VCF-style: chr5-92924132-A-G.
Other names: c.523A>G, p.Ile175Val (NM_001410754.1); short protein forms I175V, I325V.
Identifiers: ClinVar variation 2745210 (VCV002745210.3), dbSNP rs2480809269, ClinGen allele CA360527499.